The following is an entry in ClinVar:

ClinVar aggregate classification (germline): Uncertain significance (1 of 4 stars; one submission).

Conditions:
Majeed syndrome (MJDS). Also called: CHRONIC RECURRENT MULTIFOCAL OSTEOMYELITIS 1, WITH CONGENITAL DYSERYTHROPOIETIC ANEMIA, WITH OR WITHOUT NEUTROPHILIC DERMATOSIS; LPIN2-Related Majeed Syndrome. Identifiers: Orphanet 77297, MedGen C1864997, MONDO:0012316, OMIM 609628.

Allele frequency attached by ClinVar (database versions not stated): TOPMed below 0.00001; gnomAD 0.00001.
gnomAD v4.1: 1 of 1,613,980 alleles (0.000062%); highest among the groups gnomAD compares: Admixed American, 0.0017%; no homozygotes.

Submission:

Labcorp Genetics (formerly Invitae), Labcorp
Classification: Uncertain significance for Majeed syndrome. Last evaluated: 2021-01-30. Review status: criteria provided, single submitter. Criteria: Invitae Variant Classification Sherloc (09022015). Collection method: clinical testing. Allele origin: germline.
Comment: This sequence change replaces aspartic acid with glycine at codon 893 of the LPIN2 protein (p.Asp893Gly). The aspartic acid residue is moderately conserved and there is a moderate physicochemical difference between aspartic acid and glycine. This variant is not present in population databases (ExAC no frequency). This variant has not been reported in the literature in individuals with LPIN2-related conditions. Algorithms developed to predict the effect of missense changes on protein structure and function (SIFT, PolyPhen-2, Align-GVGD) all suggest that this variant is likely to be tolerated, but these predictions have not been confirmed by published functional studies and their clinical significance is uncertain. Algorithms developed to predict the effect of sequence changes on RNA splicing suggest that this variant may create or strengthen a splice site, but this prediction has not been confirmed by published transcriptional studies. In summary, the available evidence is currently insufficient to determine the role of this variant in disease. Therefore, it has been classified as a Variant of Uncertain Significance.

NM_001375808.2(LPIN2):c.2678A>G (p.Asp893Gly)

Gene: LPIN2 (lipin 2; minus strand). Cytogenetic location: 18p11.31.
Variant type: single nucleotide variant.
Coding change: c.2678A>G on transcript NM_001375808.2 (MANE Select); coding-DNA position 2678, A replaced by G.
Protein change: p.Asp893Gly; replaces aspartic acid 893 with glycine.
Molecular consequence: missense variant.
Genome position (GRCh38, 1-based): chr18:2,920,306, T>C on the plus strand (A>G on the coding strand, the complement: LPIN2 is on the minus strand). VCF-style: chr18-2920306-T-C. GRCh37 (hg19) VCF-style: chr18-2920304-T-C.
Other names: c.2678A>G, p.Asp893Gly (NM_001375809.1, NM_014646.2); short protein forms D893G.
Identifiers: ClinVar variation 1431381 (VCV001431381.8), dbSNP rs1830594288, ClinGen allele CA401693705.